The following is an entry in ClinVar:

ClinVar aggregate classification (germline): Uncertain significance (1 of 4 stars; one submission).

Conditions:
Epileptic encephalopathy. Identifiers: MedGen C0543888, HP:0200134.

Submission:

Labcorp Genetics (formerly Invitae), Labcorp
Classification: Uncertain significance for Epileptic encephalopathy. Last evaluated: 2018-08-03. Review status: criteria provided, single submitter. Criteria: Invitae Variant Classification Sherloc (09022015). Collection method: clinical testing. Allele origin: germline.
Comment: This sequence change falls in intron 94 of the RYR3 gene. It does not directly change the encoded amino acid sequence of the RYR3 protein, but it affects a nucleotide within the consensus splice site of the intron. This variant is not present in population databases (ExAC no frequency). This variant has not been reported in the literature in individuals with RYR3-related disease. Nucleotide substitutions within the consensus splice site are a relatively common cause of aberrant splicing (PMID: 17576681, 9536098). Algorithms developed to predict the effect of sequence changes on RNA splicing suggest that this variant is not likely to affect RNA splicing, but this prediction has not been confirmed by published transcriptional studies. In summary, the available evidence is currently insufficient to determine the role of this variant in disease. Therefore, it has been classified as a Variant of Uncertain Significance.

NM_001036.6(RYR3):c.13628+3G>A

Gene: RYR3 (ryanodine receptor 3; plus strand). Cytogenetic location: 15q14.
Variant type: single nucleotide variant.
Coding change: c.13628+3G>A on transcript NM_001036.6 (MANE Select); 3 bases into the intron after coding-DNA position 13628, G replaced by A.
Molecular consequence: intron variant.
Genome position (GRCh38, 1-based): chr15:33,848,424, G>A. VCF-style: chr15-33848424-G-A. GRCh37 (hg19) VCF-style: chr15-34140625-G-A.
Other names: c.13613+3G>A (NM_001243996.4).
Identifiers: ClinVar variation 645346 (VCV000645346.1), dbSNP rs1597000124, ClinGen allele CA915946503.